The following is an entry in ClinVar:

ClinVar aggregate classification (germline): Uncertain significance (1 of 4 stars; one submission).

Conditions:
Classic or attenuated familial adenomatous polyposis. Identifiers: MedGen CN372698, MONDO:0021057.

Submission:

All of Us Research Program, National Institutes of Health
Classification: Uncertain significance for Classic or attenuated familial adenomatous polyposis. Last evaluated: 2023-06-26. Review status: criteria provided, single submitter. Criteria: ACMG Guidelines, 2015. Collection method: clinical testing. Allele origin: germline. Inheritance: Autosomal dominant inheritance. Observed: 1 variant allele, 1 heterozygote.
Comment: This missense variant replaces isoleucine with threonine at codon 2661 of the APC protein. Computational prediction is inconclusive regarding the impact of this variant on protein structure and function (internally defined REVEL score threshold 0.5 < inconclusive < 0.7, PMID: 27666373). To our knowledge, functional studies have not been reported for this variant. This variant has not been reported in individuals affected with APC-related disorders in the literature. This variant has not been identified in the general population by the Genome Aggregation Database (gnomAD). The available evidence is insufficient to determine the role of this variant in disease conclusively. Therefore, this variant is classified as a Variant of Uncertain Significance.

This study involves interpretation of variants in research participants for the purpose of population health screening. Participant phenotype was not available at the time of variant classification. Additional details can be found in publication PMID: 35346344, PMCID: PMC8962531

NM_000038.6(APC):c.7982T>C (p.Ile2661Thr)

Gene: APC (APC regulator of WNT signaling pathway; plus strand). Cytogenetic location: 5q22.2.
Variant type: single nucleotide variant.
Coding change: c.7982T>C on transcript NM_000038.6 (MANE Select); coding-DNA position 7982, T replaced by C.
Protein change: p.Ile2661Thr; replaces isoleucine 2661 with threonine.
Molecular consequence: missense variant. On other transcripts: non-coding transcript variant (2).
Genome position (GRCh38, 1-based): chr5:112,843,576, T>C. VCF-style: chr5-112843576-T-C. GRCh37 (hg19) VCF-style: chr5-112179273-T-C.
Other names: c.7982T>C, p.Ile2661Thr (NM_001127510.3, NM_001354895.2, NM_001407450.1); c.7928T>C, p.Ile2643Thr (NM_001127511.3); c.8036T>C, p.Ile2679Thr (NM_001354896.2, NM_001407447.1, NM_001407448.1 and 1 more transcripts); c.8012T>C, p.Ile2671Thr (NM_001354897.2); c.7907T>C, p.Ile2636Thr (NM_001354898.2); c.7898T>C, p.Ile2633Thr (NM_001354899.2); c.7859T>C, p.Ile2620Thr (NM_001354900.2); c.7805T>C, p.Ile2602Thr (NM_001354901.2, NM_001407453.1); and 11 more; short protein forms I2277T, I2378T, I2501T, I2532T, I2535T, I2560T, I2570T, I2578T.
Identifiers: ClinVar variation 3071949 (VCV003071949.1), dbSNP rs2149997353, ClinGen allele CA16038666.